The following is an entry in ClinVar:

NM_152296.5(ATP1A3):c.274A>G (p.Ile92Val)

Gene: ATP1A3 (ATPase Na+/K+ transporting subunit alpha 3; minus strand). Cytogenetic location: 19q13.2.
Variant type: single nucleotide variant.
Coding change: c.274A>G on transcript NM_152296.5 (MANE Select); coding-DNA position 274, A replaced by G.
Protein change: p.Ile92Val; replaces isoleucine 92 with valine.
Molecular consequence: missense variant.
Genome position (GRCh38, 1-based): chr19:41,988,019, T>C on the plus strand (A>G on the coding strand, the complement: ATP1A3 is on the minus strand). VCF-style: chr19-41988019-T-C. GRCh37 (hg19) VCF-style: chr19-42492171-T-C.
Other names: c.307A>G, p.Ile103Val (NM_001256213.2); c.313A>G, p.Ile105Val (NM_001256214.2); short protein forms I103V, I92V, I105V.
Identifiers: ClinVar variation 864476 (VCV000864476.11), dbSNP rs933392084, ClinGen allele CA308599033.

ClinVar aggregate classification (germline): Uncertain significance. Review status: criteria provided, multiple submitters, no conflicts (2 of 4 stars). 2 submissions from 2 submitters: Uncertain significance (2). Last evaluated 2025-10-21.

Conditions:
Dystonia 12 (DYT12). Also called: DYT-ATP1A3; Rapid-Onset Dystonia-Parkinsonism (RDP). Identifiers: Orphanet 71517, MedGen C1868681, MONDO:0007496, OMIM 128235.

Allele frequency attached by ClinVar (database versions not stated): gnomAD 0.00001; TOPMed 0.00007.
gnomAD v4.1: 4 of 1,613,998 alleles (0.00025%); highest among the groups gnomAD compares: Admixed American, 0.005%; no homozygotes.

Submissions (2):

Labcorp Genetics (formerly Invitae), Labcorp
Classification: Uncertain significance for Dystonia 12. Last evaluated: 2025-10-21. Review status: criteria provided, single submitter. Criteria: Invitae Variant Classification Sherloc (09022015). Collection method: clinical testing. Allele origin: germline.
Comment: This sequence change replaces isoleucine, which is neutral and non-polar, with valine, which is neutral and non-polar, at codon 92 of the ATP1A3 protein (p.Ile92Val). This variant is present in population databases (no rsID available, gnomAD 0.003%). This variant has not been reported in the literature in individuals affected with ATP1A3-related conditions. ClinVar contains an entry for this variant (Variation ID: 864476). Invitae Evidence Modeling of protein sequence and biophysical properties (such as structural, functional, and spatial information, amino acid conservation, physicochemical variation, residue mobility, and thermodynamic stability) has been performed for this missense variant. However, the output from this modeling did not meet the statistical confidence thresholds required to predict the impact of this variant on ATP1A3 protein function. In summary, the available evidence is currently insufficient to determine the role of this variant in disease. Therefore, it has been classified as a Variant of Uncertain Significance.

Women's Health and Genetics/Laboratory Corporation of America, LabCorp
Classification: Uncertain significance. Last evaluated: 2024-12-24. Review status: criteria provided, single submitter. Criteria: LabCorp Variant Classification Summary - May 2015. Collection method: clinical testing. Allele origin: germline.
Comment: Variant summary: ATP1A3 c.274A>G (p.Ile92Val) results in a conservative amino acid change located in the Cation-transporting P-type ATPase, N-terminal (IPR004014) of the encoded protein sequence. Four of five in-silico tools predict a benign effect of the variant on protein function. The variant allele was found at a frequency of 4e-06 in 251470 control chromosomes. The available data on variant occurrences in the general population are insufficient to allow any conclusion about variant significance. To our knowledge, no occurrence of c.274A>G in individuals affected with ATP1A3-Related Disorders and no experimental evidence demonstrating its impact on protein function have been reported. ClinVar contains an entry for this variant (Variation ID: 864476). Based on the evidence outlined above, the variant was classified as uncertain significance.